The following is an entry in ClinVar:

ClinVar aggregate classification (germline): Benign/Likely benign. Review status: criteria provided, multiple submitters, no conflicts (2 of 4 stars). 6 submissions from 6 submitters: Benign (3); Likely benign (2). 1 of the submissions does not count toward it. Last evaluated 2026-01-27.

Conditions:
Oto-palato-digital syndrome, type II (OPD2). Also called: FACIOPALATOOSSEOUS SYNDROME; Otopalatodigital Syndrome, Type II; Otopalatodigital Syndrome Type 2 (FLNA-OPD2); OPD II SYNDROME. Identifiers: Orphanet 669, Orphanet 90652, MedGen C1844696, MONDO:0010571, OMIM 304120.
Heterotopia, periventricular, X-linked dominant (PVNH1). Also called: X-linked periventricular heterotopia; PERIVENTRICULAR NODULAR HETEROTOPIA 1; PERIVENTRICULAR NODULAR HETEROTOPIA 4; HETEROTOPIA, PERIVENTRICULAR, 1. Identifiers: Orphanet 2149, Orphanet 82004, MedGen C1848213, MONDO:0010233, OMIM 300049.
Frontometaphyseal dysplasia (FMD1). Identifiers: Orphanet 1826, MedGen C0265293, MONDO:0015942.
Melnick-Needles syndrome (MNS). Also called: Melnick-Needles Syndrome (FLNA-MNS); MELNICK-NEEDLES OSTEODYSPLASTY; OSTEODYSPLASTY OF MELNICK AND NEEDLES. Identifiers: Orphanet 2484, MedGen C0025237, MONDO:0010650, OMIM 309350.
FLNA-related disorder.
Oto-palato-digital syndrome, type I (OPD1). Also called: Taybi syndrome; Otopalatodigital Syndrome, Type I; Otopalatodigital Syndrome Type 1 (FLNA-OPD1); OPD I SYNDROME; OPD SYNDROME 1. Identifiers: Orphanet 669, Orphanet 90650, MedGen C0265251, MONDO:0010704, OMIM 311300.
Intestinal pseudoobstruction, neuronal, chronic idiopathic, X-linked (CIIPX). Also called: CONGENITAL IDIOPATHIC INTESTINAL PSEUDOOBSTRUCTION; FLNA-Related Periventricular Nodular Heterotopia (FLNA-Related PVNH; Huttenlocher Syndrome); INTESTINAL PSEUDOOBSTRUCTION, NEURONAL, CHRONIC IDIOPATHIC, WITH CENTRAL NERVOUS SYSTEM INVOLVEMENT. Identifiers: Orphanet 2301, MedGen C2746068, MONDO:0010232, OMIM 300048.
Frontometaphyseal dysplasia 1 (FMD1). Also called: Frontometaphyseal Dysplasia (FLNA-FMD). Identifiers: Orphanet 1826, MedGen C4281559, MONDO:0024550, OMIM 305620.
Terminal osseous dysplasia-pigmentary defects syndrome. Also called: ODPD; TERMINAL OSSEOUS DYSPLASIA AND PIGMENTARY DEFECTS; Terminal Osseous Dysplasia (FLNA-TOD); ODPF SYNDROME; OSSEOUS DYSPLASIA, DIGITAL, WITH FACIAL PIGMENTARY DEFECTS AND MULTIPLE FRENULA. Identifiers: Orphanet 88630, MedGen C1846129, MONDO:0010279, OMIM 300244.
FG syndrome 2 (FGS2). Identifiers: MedGen C1845902, MONDO:0010297, OMIM 300321.
Cardiac valvular dysplasia, X-linked (CVDPX). Also called: FLNA-Related X-linked Cardiac Valvular Dysplasia; VALVULAR HEART DISEASE, CONGENITAL; Congenital valvular dysplasia; Isolated X-Linked Cardiac Valvular Dysplasia; MYXOMATOUS VALVULAR DYSTROPHY, X-LINKED. Identifiers: Orphanet 1864, Orphanet 555877, Orphanet 75497, MedGen C0262436, MONDO:0010753, OMIM 314400.
Familial thoracic aortic aneurysm and aortic dissection (TAAD). Also called: Thoracic aortic aneurysms and dissections. Identifiers: Orphanet 91387, MedGen C4707243, MONDO:0019625.

Allele frequency attached by ClinVar (database versions not stated): gnomAD exomes 0.00016 and 0.00033; TOPMed 0.00017; ExAC 0.00019; gnomAD 0.00021 and 0.00022; ESP Exome Variant Server 0.00060.
gnomAD v4.1: 208 of 1,210,576 alleles (0.017%); highest among the groups gnomAD compares: Admixed American, 0.0087%; 1 homozygote.

Submissions (6):

Labcorp Genetics (formerly Invitae), Labcorp
Classification: Benign for Oto-palato-digital syndrome, type II; Heterotopia, periventricular, X-linked dominant; Frontometaphyseal dysplasia; Melnick-Needles syndrome. Last evaluated: 2026-01-27. Review status: criteria provided, single submitter. Criteria: Invitae Variant Classification Sherloc (09022015). Collection method: clinical testing. Allele origin: germline.

Blueprint Genetics
Classification: Likely benign. Last evaluated: 2023-05-19. Review status: criteria provided, single submitter. Criteria: ACMG Guidelines, 2015. Collection method: clinical testing. Allele origin: germline.

Fulgent Genetics
Classification: Likely benign for Intestinal pseudoobstruction, neuronal, chronic idiopathic, X-linked; Heterotopia, periventricular, X-linked dominant; Terminal osseous dysplasia-pigmentary defects syndrome; FG syndrome 2; Oto-palato-digital syndrome, type II; Frontometaphyseal dysplasia 1; Melnick-Needles syndrome; Oto-palato-digital syndrome, type I; Cardiac valvular dysplasia, X-linked. Last evaluated: 2021-08-09. Review status: criteria provided, single submitter. Criteria: ACMG Guidelines, 2015. Collection method: clinical testing. Allele origin: unknown.

GeneDx
Classification: Benign. Last evaluated: 2020-11-13. Review status: criteria provided, single submitter. Criteria: GeneDx Variant Classification Process June 2021. Collection method: clinical testing. Allele origin: germline. Affected: yes.
Comment: Has not been previously published as pathogenic or benign to our knowledge

Ambry Genetics
Classification: Benign for Familial thoracic aortic aneurysm and aortic dissection. Last evaluated: 2017-05-11. Review status: criteria provided, single submitter. Criteria: Ambry Variant Classification Scheme 2023. Collection method: clinical testing. Allele origin: germline.

PreventionGenetics, part of Exact Sciences
Classification: Benign for FLNA-related condition. Last evaluated: 2019-06-10. Review status: no assertion criteria provided. Collection method: clinical testing. Allele origin: germline. Not counted in ClinVar's aggregate classification.
Comment: This variant is classified as benign based on ACMG/AMP sequence variant interpretation guidelines (Richards et al. 2015 PMID: 25741868, with internal and published modifications).

NM_001110556.2(FLNA):c.2516C>T (p.Thr839Met)

Gene: FLNA (filamin A; minus strand). Cytogenetic location: Xq28.
Variant type: single nucleotide variant.
Coding change: c.2516C>T on transcript NM_001110556.2 (MANE Select); coding-DNA position 2516, C replaced by T.
Protein change: p.Thr839Met; replaces threonine 839 with methionine.
Molecular consequence: missense variant.
Genome position (GRCh38, 1-based): chrX:154,362,467, G>A on the plus strand (C>T on the coding strand, the complement: FLNA is on the minus strand). VCF-style: chrX-154362467-G-A. GRCh37 (hg19) VCF-style: chrX-153590835-G-A.
Other names: p.T839M:ACG>ATG; c.2516C>T (NM_001110556.1); c.2516C>T, p.Thr839Met (NM_001456.4); short protein forms T839M.
Identifiers: ClinVar variation 213441 (VCV000213441.21), dbSNP rs201603843, ClinGen allele CA320822.